The following is an entry in ClinVar:

ClinVar aggregate classification (germline): Uncertain significance (1 of 4 stars; one submission).

Allele frequency attached by ClinVar (database versions not stated): gnomAD 0.00001 and 0.00002; gnomAD exomes 0.00001 and 0.00004; TOPMed 0.00001; ExAC 0.00002.
gnomAD v4.1: 20 of 1,614,030 alleles (0.0012%); highest among the groups gnomAD compares: South Asian, 0.011%; no homozygotes.

Submission:

Labcorp Genetics (formerly Invitae), Labcorp
Classification: Uncertain significance. Last evaluated: 2022-09-27. Review status: criteria provided, single submitter. Criteria: Invitae Variant Classification Sherloc (09022015). Collection method: clinical testing. Allele origin: germline.
Comment: In summary, the available evidence is currently insufficient to determine the role of this variant in disease. Therefore, it has been classified as a Variant of Uncertain Significance. Algorithms developed to predict the effect of missense changes on protein structure and function are either unavailable or do not agree on the potential impact of this missense change (SIFT: "Deleterious"; PolyPhen-2: "Probably Damaging"; Align-GVGD: "Class C0"). ClinVar contains an entry for this variant (Variation ID: 1681115). This variant has not been reported in the literature in individuals affected with C8orf37-related conditions. This variant is present in population databases (rs750509315, gnomAD 0.02%). This sequence change replaces arginine, which is basic and polar, with cysteine, which is neutral and slightly polar, at codon 201 of the C8orf37 protein (p.Arg201Cys).

NM_177965.4(CFAP418):c.601C>T (p.Arg201Cys)

Gene: CFAP418 (cilia and flagella associated protein 418; minus strand). Cytogenetic location: 8q22.1.
Variant type: single nucleotide variant.
Coding change: c.601C>T on transcript NM_177965.4 (MANE Select); coding-DNA position 601, C replaced by T.
Protein change: p.Arg201Cys; replaces arginine 201 with cysteine.
Molecular consequence: missense variant.
Genome position (GRCh38, 1-based): chr8:95,247,640, G>A on the plus strand (C>T on the coding strand, the complement: CFAP418 is on the minus strand). VCF-style: chr8-95247640-G-A. GRCh37 (hg19) VCF-style: chr8-96259868-G-A.
Other names: c.505C>T, p.Arg169Cys (NM_001363260.1); short protein forms R169C, R201C.
Identifiers: ClinVar variation 1681115 (VCV001681115.4), dbSNP rs750509315, ClinGen allele CA4815106.